The following is an entry in ClinVar:

ClinVar aggregate classification (germline): Uncertain significance. Review status: criteria provided, multiple submitters, no conflicts (2 of 4 stars). 2 submissions from 2 submitters: Uncertain significance (2). Last evaluated 2022-12-08.

Conditions:
Diabetes mellitus, transient neonatal, 1 (TNDM1). Also called: Diabetes Mellitus, 6q24-Related Transient Neonatal. Identifiers: Orphanet 99886, MedGen C1832386, MONDO:0011073, OMIM 601410.

Allele frequency attached by ClinVar (database versions not stated): gnomAD exomes below 0.00001 and 0.00001; gnomAD 0.00001 and 0.00002; TOPMed 0.00001; 1000 Genomes Project 30x 0.00016; 1000 Genomes Project 0.00020.
gnomAD v4.1: 23 of 1,613,036 alleles (0.0014%); highest among the groups gnomAD compares: South Asian, 0.0033%; no homozygotes.

Submissions (2):

Labcorp Genetics (formerly Invitae), Labcorp
Classification: Uncertain significance. Last evaluated: 2022-12-08. Review status: criteria provided, single submitter. Criteria: Invitae Variant Classification Sherloc (09022015). Collection method: clinical testing. Allele origin: germline.
Comment: In summary, the available evidence is currently insufficient to determine the role of this variant in disease. Therefore, it has been classified as a Variant of Uncertain Significance. Algorithms developed to predict the effect of missense changes on protein structure and function output the following: SIFT: "Not Available"; PolyPhen-2: "Probably Damaging"; Align-GVGD: "Not Available". The cysteine amino acid residue is found in multiple mammalian species, which suggests that this missense change does not adversely affect protein function. ClinVar contains an entry for this variant (Variation ID: 904452). This variant has not been reported in the literature in individuals affected with ZFP57-related conditions. This variant is present in population databases (rs552912198, gnomAD 0.003%). This sequence change replaces arginine, which is basic and polar, with cysteine, which is neutral and slightly polar, at codon 276 of the ZFP57 protein (p.Arg276Cys).

Illumina Laboratory Services, Illumina
Classification: Uncertain significance for Diabetes mellitus, transient neonatal, 1. Last evaluated: 2018-03-30. Review status: criteria provided, single submitter. Criteria: ICSL Variant Classification Criteria 13 December 2019. Collection method: clinical testing. Allele origin: germline.

NM_001109809.5(ZFP57):c.826C>T (p.Arg276Cys)

Gene: ZFP57 (ZFP57 zinc finger protein; minus strand). Cytogenetic location: 6p22.1.
Variant type: single nucleotide variant.
Coding change: c.826C>T on transcript NM_001109809.5 (MANE Select); coding-DNA position 826, C replaced by T.
Protein change: p.Arg276Cys; replaces arginine 276 with cysteine.
Molecular consequence: missense variant.
Genome position (GRCh38, 1-based): chr6:29,673,285, G>A on the plus strand (C>T on the coding strand, the complement: ZFP57 is on the minus strand). VCF-style: chr6-29673285-G-A. GRCh37 (hg19) VCF-style: chr6-29641062-G-A.
Other names: c.610C>T, p.Arg204Cys (NM_001366333.2); short protein forms R276C, R204C.
Identifiers: ClinVar variation 904452 (VCV000904452.8), dbSNP rs552912198, ClinGen allele CA135980989.